The following is an entry in ClinVar:

ClinVar aggregate classification (germline): Uncertain significance. Review status: criteria provided, multiple submitters, no conflicts (2 of 4 stars). 2 submissions from 2 submitters: Uncertain significance (2). Last evaluated 2025-11-16.

Conditions:
Ullrich congenital muscular dystrophy 2 (UCMD2). Identifiers: Orphanet 75840, MedGen C4225314, MONDO:0014654, OMIM 616470.
Bethlem myopathy 2 (BTHLM2). Identifiers: Orphanet 536516, Orphanet 610, MedGen C4225313, MONDO:0034022, OMIM 616471.
Inborn genetic diseases. Identifiers: MedGen C0950123, MeSH D030342.

Submissions (2):

Labcorp Genetics (formerly Invitae), Labcorp
Classification: Uncertain significance for Bethlem myopathy 2; Ullrich congenital muscular dystrophy 2. Last evaluated: 2025-11-16. Review status: criteria provided, single submitter. Criteria: Invitae Variant Classification Sherloc (09022015). Collection method: clinical testing. Allele origin: germline.
Comment: This sequence change replaces methionine, which is neutral and non-polar, with arginine, which is basic and polar, at codon 1183 of the COL12A1 protein (p.Met1183Arg). This variant is present in population databases (rs779166427, gnomAD 0.003%). This variant has not been reported in the literature in individuals affected with COL12A1-related conditions. ClinVar contains an entry for this variant (Variation ID: 4231741). Invitae Evidence Modeling of protein sequence and biophysical properties (such as structural, functional, and spatial information, amino acid conservation, physicochemical variation, residue mobility, and thermodynamic stability) indicates that this missense variant is not expected to disrupt COL12A1 protein function with a negative predictive value of 80%. In summary, the available evidence is currently insufficient to determine the role of this variant in disease. Therefore, it has been classified as a Variant of Uncertain Significance.

Ambry Genetics
Classification: Uncertain significance for Inborn genetic diseases. Last evaluated: 2025-08-14. Review status: criteria provided, single submitter. Criteria: Ambry Variant Classification Scheme 2023. Collection method: clinical testing. Allele origin: germline.

NM_004370.6(COL12A1):c.3548T>G (p.Met1183Arg)

Gene: COL12A1 (collagen type XII alpha 1 chain; minus strand). Cytogenetic location: 6q13.
Variant type: single nucleotide variant.
Coding change: c.3548T>G on transcript NM_004370.6 (MANE Select); coding-DNA position 3548, T replaced by G.
Protein change: p.Met1183Arg; replaces methionine 1183 with arginine.
Molecular consequence: missense variant. On other transcripts: intron variant (2).
Genome position (GRCh38, 1-based): chr6:75,154,433, A>C on the plus strand (T>G on the coding strand, the complement: COL12A1 is on the minus strand). VCF-style: chr6-75154433-A-C. GRCh37 (hg19) VCF-style: chr6-75864149-A-C.
Other names: c.3548T>G, p.Met1183Arg (NM_001424113.1, NM_001424114.1); c.3275T>G, p.Met1092Arg (NM_001424115.1); c.74-1951T>G (NM_001424116.1, NM_080645.3); short protein forms M1183R, M1092R.
Identifiers: ClinVar variation 4231741 (VCV004231741.2).
Genomic context (GRCh38, chr6:75,154,433, plus strand): 5'-TTCCTAAGTTGTTTTCCTCAAGGAATGTAACTCAATTTCTTACCAGAAGATAAAATTGGC[A>C]TAACAGTTGTGTCGGAAAGGGTTGTCATTTCTTGTCCAACAAGTGGTGAGCTTTCTCCTC-3'
Protein context (NP_004361.3, residues 1173-1193): EMTTLSDTTV[Met1183Arg]PILSSGMECL